The following is an entry in ClinVar:

ClinVar aggregate classification (germline): Conflicting classifications of pathogenicity. Review status: criteria provided, conflicting classifications (1 of 4 stars). 9 submissions from 9 submitters: Uncertain significance (3); Likely benign (4). 2 of the submissions do not count toward it. Last evaluated 2026-01-19.

Conditions:
Myofibrillar myopathy 5. Also called: FILAMINOPATHY, AUTOSOMAL DOMINANT; Filaminopathy (type). Identifiers: Orphanet 171445, MedGen C1836050, MONDO:0012289, OMIM 609524.
Hypertrophic cardiomyopathy 26. Also called: Cardiomyopathy, familial hypertrophic, 26. Identifiers: Orphanet 75249, MedGen C4310749, MONDO:0014883, OMIM 617047.
Distal myopathy with posterior leg and anterior hand involvement. Also called: WILLIAMS DISTAL MYOPATHY. Identifiers: Orphanet 63273, MedGen C3279722, MONDO:0013550, OMIM 614065.
FLNC-related disorder. Also called: FLNC-related disorders; FLNC-related condition.
Cardiovascular phenotype. Identifiers: MedGen CN230736.

Allele frequency attached by ClinVar (database versions not stated): gnomAD exomes 0.00004 and 0.00006; ExAC 0.00006; ESP Exome Variant Server 0.00008; gnomAD 0.00018 and 0.00019; TOPMed 0.00019.
gnomAD v4.1: 111 of 1,613,964 alleles (0.0069%); highest among the groups gnomAD compares: African/African-American, 0.056%; no homozygotes.

Submissions (9):

Labcorp Genetics (formerly Invitae), Labcorp
Classification: Likely benign for Distal myopathy with posterior leg and anterior hand involvement; Myofibrillar myopathy 5; Hypertrophic cardiomyopathy 26. Last evaluated: 2026-01-19. Review status: criteria provided, single submitter. Criteria: Invitae Variant Classification Sherloc (09022015). Collection method: clinical testing. Allele origin: germline.

PreventionGenetics, part of Exact Sciences
Classification: Uncertain significance for FLNC-related condition. Last evaluated: 2025-12-23. Review status: criteria provided, single submitter. Criteria: ACMG Guidelines, 2015. Collection method: clinical testing. Allele origin: germline.
Comment: The FLNC c.1924G>A variant is predicted to result in the amino acid substitution p.Val642Ile. To our knowledge, this variant has not been reported in the literature. This variant is reported in 0.041% of alleles in individuals of African descent in gnomAD. Although we suspect that this variant may be benign, at this time, the clinical significance of this variant is uncertain due to the absence of conclusive functional and genetic evidence.

Women's Health and Genetics/Laboratory Corporation of America, LabCorp
Classification: Likely benign. Last evaluated: 2025-09-04. Review status: criteria provided, single submitter. Criteria: LabCorp Variant Classification Summary - May 2015. Collection method: clinical testing. Allele origin: germline.
Comment: Variant summary: FLNC c.1924G>A (p.Val642Ile) results in a conservative amino acid change in the encoded protein sequence. Algorithms developed to predict the effect of missense changes on protein structure and function are either unavailable or do not agree on the potential impact of this missense change. The variant allele was found at a frequency of 5.7e-05 in 280930 control chromosomes, predominantly at a frequency of 0.00041 within the African or African-American subpopulation in the gnomAD database. The observed variant frequency within African or African-American control individuals in the gnomAD database exceeds the estimated maximal expected allele frequency for disease-causing variants in FLNC. To our knowledge, no occurrence of c.1924G>A in individuals affected with FLNC-related conditions and no experimental evidence demonstrating its impact on protein function have been reported. ClinVar contains an entry for this variant (Variation ID: 471991). Based on the evidence outlined above, the variant was classified as likely benign.

Ambry Genetics
Classification: Uncertain significance for Cardiovascular phenotype. Last evaluated: 2024-08-07. Review status: criteria provided, single submitter. Criteria: Ambry Variant Classification Scheme 2023. Collection method: clinical testing. Allele origin: germline.
Comment: The p.V642I variant (also known as c.1924G>A), located in coding exon 12 of the FLNC gene, results from a G to A substitution at nucleotide position 1924. The valine at codon 642 is replaced by isoleucine, an amino acid with highly similar properties. This amino acid position is well conserved in available vertebrate species. In addition, this alteration is predicted to be tolerated by in silico analysis. Since supporting evidence is limited at this time, the clinical significance of this alteration remains unclear.

Blueprint Genetics
Classification: Likely benign. Last evaluated: 2024-06-26. Review status: criteria provided, single submitter. Criteria: ACMG Guidelines, 2015. Collection method: clinical testing. Allele origin: germline.

GeneDx
Classification: Likely benign. Last evaluated: 2021-05-05. Review status: criteria provided, single submitter. Criteria: GeneDx Variant Classification Process June 2021. Collection method: clinical testing. Allele origin: germline. Affected: yes.
Comment: Has not been previously published as pathogenic or benign to our knowledge; Reported in ClinVar as a variant of uncertain significance (ClinVar Variant ID# 471991; Landrum et al., 2016); In silico analysis supports that this missense variant does not alter protein structure/function

Revvity Omics, Revvity
Classification: Uncertain significance. Last evaluated: 2020-11-17. Review status: criteria provided, single submitter. Criteria: ACMG Guidelines, 2015. Collection method: clinical testing. Allele origin: germline.

Genome Diagnostics Laboratory, Amsterdam University Medical Center
Classification: Uncertain significance. Review status: no assertion criteria provided. Collection method: clinical testing. Allele origin: germline. Affected: yes. Study: VKGL Data-share Consensus. Not counted in ClinVar's aggregate classification.

Genome Diagnostics Laboratory, University Medical Center Utrecht
Classification: Uncertain significance. Review status: no assertion criteria provided. Collection method: clinical testing. Allele origin: germline. Affected: yes. Study: VKGL Data-share Consensus. Not counted in ClinVar's aggregate classification.

Literature cited by the submitters: PubMed 32112656 (cited by Women's Health and Genetics/Laboratory Corporation of America, LabCorp).

NM_001458.5(FLNC):c.1924G>A (p.Val642Ile)

Gene: FLNC (filamin C; plus strand). Cytogenetic location: 7q32.1.
Variant type: single nucleotide variant.
Coding change: c.1924G>A on transcript NM_001458.5 (MANE Select); coding-DNA position 1924, G replaced by A.
Protein change: p.Val642Ile; replaces valine 642 with isoleucine.
Molecular consequence: missense variant.
Genome position (GRCh38, 1-based): chr7:128,841,280, G>A. VCF-style: chr7-128841280-G-A. GRCh37 (hg19) VCF-style: chr7-128481334-G-A.
Other names: c.1924G>A, p.Val642Ile (NM_001127487.2); short protein forms V642I.
Identifiers: ClinVar variation 471991 (VCV000471991.25), dbSNP rs369387744, ClinGen allele CA4474531.
Genomic context (GRCh38, chr7:128,841,280, plus strand): 5'-GGGGATGGCTCCTGCGATGTGCGGTACTGGCCCACGGAGCCTGGGGAGTACGCTGTGCAC[G>A]TCATCTGTGACGATGAGGACATCCGAGACTCACCCTTCATTGCCCACATCCTGCCCGCCC-3'
Protein context (NP_001449.3, residues 632-652): PTEPGEYAVH[Val642Ile]ICDDEDIRDS